The following is an entry in ClinVar:

ClinVar aggregate classification (germline): Uncertain significance (1 of 4 stars; one submission).

Allele frequency attached by ClinVar (database versions not stated): gnomAD exomes below 0.00001.
gnomAD v4.1: 2 of 1,613,626 alleles (0.00012%); highest among the groups gnomAD compares: Non-Finnish European, 0.00017%; no homozygotes.

Submission:

Labcorp Genetics (formerly Invitae), Labcorp
Classification: Uncertain significance. Last evaluated: 2022-04-09. Review status: criteria provided, single submitter. Criteria: Invitae Variant Classification Sherloc (09022015). Collection method: clinical testing. Allele origin: germline.
Comment: In summary, the available evidence is currently insufficient to determine the role of this variant in disease. Therefore, it has been classified as a Variant of Uncertain Significance. Algorithms developed to predict the effect of missense changes on protein structure and function (SIFT, PolyPhen-2, Align-GVGD) all suggest that this variant is likely to be disruptive. This variant has not been reported in the literature in individuals affected with PRDM13-related conditions. This variant is not present in population databases (gnomAD no frequency). This sequence change replaces lysine, which is basic and polar, with glutamine, which is neutral and polar, at codon 599 of the PRDM13 protein (p.Lys599Gln).

NM_021620.4(PRDM13):c.1795A>C (p.Lys599Gln)

Gene: PRDM13 (PR/SET domain 13; plus strand). Cytogenetic location: 6q16.2.
Variant type: single nucleotide variant.
Coding change: c.1795A>C on transcript NM_021620.4 (MANE Select); coding-DNA position 1795, A replaced by C.
Protein change: p.Lys599Gln; replaces lysine 599 with glutamine.
Molecular consequence: missense variant.
Genome position (GRCh38, 1-based): chr6:99,614,430, A>C. VCF-style: chr6-99614430-A-C. GRCh37 (hg19) VCF-style: chr6-100062306-A-C.
Other names: short protein forms K599Q.
Identifiers: ClinVar variation 2123674 (VCV002123674.4), dbSNP rs2538547773, ClinGen allele CA365121602.
Genomic context (GRCh38, chr6:99,614,430, plus strand): 5'-GGCAAGCTGTACTCGCGCAAGTATGGGCTCAAGATCCACATGCGGACGCACACGGGCTAC[A>C]AGCCACTCAAGTGCAAAGTCTGTCTGCGGCCCTTCGGCGACCCCAGCAATCTCAACAAGC-3'
Protein context (NP_067633.2, residues 589-609): KIHMRTHTGY[Lys599Gln]PLKCKVCLRP